The following is an entry in ClinVar:

NM_004523.4(KIF11):c.3067_3070del (p.Glu1023fs)

Gene: KIF11 (kinesin family member 11; plus strand). Cytogenetic location: 10q23.33.
Variant type: Deletion.
Coding change: c.3067_3070del on transcript NM_004523.4 (MANE Select); coding-DNA positions 3067 to 3070, 4 bases deleted (GAAA; older notation c.3067_3070delGAAA).
Protein change: p.Glu1023fs; shifts the reading frame from glutamic acid 1023.
Molecular consequence: frameshift variant.
Genome position (GRCh38, 1-based): chr10:92,653,692-92,653,695, GAAA deleted; deleting any 4 consecutive bases within chr10:92,653,689-92,653,695 gives the same sequence; the c. name uses the placement nearest the transcript's 3' end. VCF-style (leftmost placement, unchanged base first): chr10-92653688-CAAAG-C. GRCh37 (hg19) VCF-style: chr10-94413445-CAAAG-C.
Other names: short protein forms E1023fs.
Identifiers: ClinVar variation 2497887 (VCV002497887.1), dbSNP rs2492549283, ClinGen allele CA2580082321.

ClinVar aggregate classification (germline): Uncertain significance (1 of 4 stars; one submission).

Submission:

GeneDx
Classification: Uncertain significance. Last evaluated: 2022-10-10. Review status: criteria provided, single submitter. Criteria: GeneDx Variant Classification Process June 2021. Collection method: clinical testing. Allele origin: germline. Affected: yes.
Comment: Not observed at significant frequency in large population cohorts (gnomAD); Frameshift variant predicted to result in protein truncation as the last 34 amino acids are replaced with 43 different amino acids, although loss-of-function variants have not been reported downstream of this position in the protein; Has not been previously published as pathogenic or benign to our knowledge